The following is an entry in ClinVar:

NM_001378454.1(ALMS1):c.12273T>G (p.Asn4091Lys)

Genes: ALMS1 (ALMS1 centrosome and basal body associated protein; plus strand), LOC126806252 (BRD4-independent group 4 enhancer GRCh37_chr2:73828496-73829695; plus strand). Cytogenetic location: 2p13.1.
Variant type: single nucleotide variant.
Coding change: c.12273T>G on transcript NM_001378454.1 (MANE Select); coding-DNA position 12273, T replaced by G.
Protein change: p.Asn4091Lys; replaces asparagine 4091 with lysine.
Molecular consequence: missense variant.
Genome position (GRCh38, 1-based): chr2:73,602,343, T>G. VCF-style: chr2-73602343-T-G. GRCh37 (hg19) VCF-style: chr2-73829470-T-G.
Other names: c.12276T>G, p.Asn4092Lys (NM_015120.4); short protein forms N4091K, N4092K.
Identifiers: ClinVar variation 1754415 (VCV001754415.3), dbSNP rs768140911, ClinGen allele CA1715498.

ClinVar aggregate classification (germline): Uncertain significance. Review status: criteria provided, multiple submitters, no conflicts (2 of 4 stars). 2 submissions from 2 submitters: Uncertain significance (2). Last evaluated 2024-11-03.

Conditions:
Alstrom syndrome (ALMS). Identifiers: Orphanet 64, MedGen C0268425, MONDO:0008763, OMIM 203800.
Cardiovascular phenotype. Identifiers: MedGen CN230736.

Allele frequency attached by ClinVar (database versions not stated): gnomAD 0.00001; gnomAD exomes 0.00001; TOPMed 0.00002; ExAC 0.00003.
gnomAD v4.1: 7 of 1,614,028 alleles (0.00043%); highest among the groups gnomAD compares: East Asian, 0.016%; no homozygotes.

Submissions (2):

Labcorp Genetics (formerly Invitae), Labcorp
Classification: Uncertain significance for Alstrom syndrome. Last evaluated: 2024-11-03. Review status: criteria provided, single submitter. Criteria: Invitae Variant Classification Sherloc (09022015). Collection method: clinical testing. Allele origin: germline.
Comment: This sequence change replaces asparagine, which is neutral and polar, with lysine, which is basic and polar, at codon 4092 of the ALMS1 protein (p.Asn4092Lys). This variant is present in population databases (rs768140911, gnomAD 0.04%). This variant has not been reported in the literature in individuals affected with ALMS1-related conditions. ClinVar contains an entry for this variant (Variation ID: 1754415). Experimental studies and prediction algorithms are not available or were not evaluated, and the functional significance of this variant is currently unknown. In summary, the available evidence is currently insufficient to determine the role of this variant in disease. Therefore, it has been classified as a Variant of Uncertain Significance.

Ambry Genetics
Classification: Uncertain significance for Cardiovascular phenotype. Last evaluated: 2021-06-27. Review status: criteria provided, single submitter. Criteria: Ambry Variant Classification Scheme 2023. Collection method: clinical testing. Allele origin: germline.
Comment: The p.N4092K variant (also known as c.12276T>G), located in coding exon 20 of the ALMS1 gene, results from a T to G substitution at nucleotide position 12276. The asparagine at codon 4092 is replaced by lysine, an amino acid with similar properties. This amino acid position is poorly conserved in available vertebrate species. In addition, this alteration is predicted to be tolerated by in silico analysis. Since supporting evidence is limited at this time, the clinical significance of this alteration remains unclear.